The following is an entry in ClinVar:

ClinVar aggregate classification (germline): Uncertain significance. Review status: criteria provided, multiple submitters, no conflicts (2 of 4 stars). 2 submissions from 2 submitters: Uncertain significance (2). Last evaluated 2024-11-30.

Conditions:
Inborn genetic diseases. Identifiers: MedGen C0950123, MeSH D030342.

Allele frequency attached by ClinVar (database versions not stated): gnomAD exomes below 0.00001; ExAC 0.00001; ESP Exome Variant Server 0.00008.
gnomAD v4.1: 3 of 1,613,644 alleles (0.00019%); highest among the groups gnomAD compares: Admixed American, 0.0033%; no homozygotes.

Submissions (2):

Ambry Genetics
Classification: Uncertain significance for Inborn genetic diseases. Last evaluated: 2024-11-30. Review status: criteria provided, single submitter. Criteria: Ambry Variant Classification Scheme 2023. Collection method: clinical testing. Allele origin: germline.
Comment: The p.F1307L variant (also known as c.3919T>C), located in coding exon 1 of the SAMD9 gene, results from a T to C substitution at nucleotide position 3919. The phenylalanine at codon 1307 is replaced by leucine, an amino acid with highly similar properties. This amino acid position is conserved. In addition, this alteration is predicted to be tolerated by in silico analysis. Based on the available evidence, the clinical significance of this variant remains unclear.

Labcorp Genetics (formerly Invitae), Labcorp
Classification: Uncertain significance. Last evaluated: 2022-01-27. Review status: criteria provided, single submitter. Criteria: Invitae Variant Classification Sherloc (09022015). Collection method: clinical testing. Allele origin: germline.
Comment: This sequence change replaces phenylalanine, which is neutral and non-polar, with leucine, which is neutral and non-polar, at codon 1307 of the SAMD9 protein (p.Phe1307Leu). This variant is present in population databases (rs374998533, gnomAD 0.0009%). This variant has not been reported in the literature in individuals affected with SAMD9-related conditions. Algorithms developed to predict the effect of missense changes on protein structure and function are either unavailable or do not agree on the potential impact of this missense change (SIFT: "Deleterious"; PolyPhen-2: "Probably Damaging"; Align-GVGD: "Class C0"). In summary, the available evidence is currently insufficient to determine the role of this variant in disease. Therefore, it has been classified as a Variant of Uncertain Significance.

NM_017654.4(SAMD9):c.3919T>C (p.Phe1307Leu)

Gene: SAMD9 (sterile alpha motif domain containing 9; minus strand). Cytogenetic location: 7q21.2.
Variant type: single nucleotide variant.
Coding change: c.3919T>C on transcript NM_017654.4 (MANE Select); coding-DNA position 3919, T replaced by C.
Protein change: p.Phe1307Leu; replaces phenylalanine 1307 with leucine.
Molecular consequence: missense variant.
Genome position (GRCh38, 1-based): chr7:93,102,179, A>G on the plus strand (T>C on the coding strand, the complement: SAMD9 is on the minus strand). VCF-style: chr7-93102179-A-G. GRCh37 (hg19) VCF-style: chr7-92731492-A-G.
Other names: c.3919T>C, p.Phe1307Leu (NM_001193307.2); c.3919T>C (NM_017654.3); short protein forms F1307L.
Identifiers: ClinVar variation 1467912 (VCV001467912.6), dbSNP rs374998533, ClinGen allele CA4342618.
Genomic context (GRCh38, chr7:93,102,179, plus strand): 5'-GTGGCTCACTGAACTTTGATCCAAGACCTGTGTTGTTTTGTGATTCTTCTAAGAGACAAA[A>G]TATATCTACATATTTCTTAAAATATCCAGCCACCTTTCTCCGAGTTTTGGCCTCTTCATT-3'
Protein context (NP_060124.2, residues 1297-1317): AGYFKKYVDI[Phe1307Leu]CLLEESQNNT